The following is an entry in ClinVar:

NM_001244008.2(KIF1A):c.4585G>T (p.Ala1529Ser)

Gene: KIF1A (kinesin family member 1A; minus strand). Cytogenetic location: 2q37.3.
Variant type: single nucleotide variant.
Coding change: c.4585G>T on transcript NM_001244008.2 (MANE Select); coding-DNA position 4585, G replaced by T.
Protein change: p.Ala1529Ser; replaces alanine 1529 with serine.
Molecular consequence: missense variant.
Genome position (GRCh38, 1-based): chr2:240,722,536, C>A on the plus strand (G>T on the coding strand, the complement: KIF1A is on the minus strand). VCF-style: chr2-240722536-C-A. GRCh37 (hg19) VCF-style: chr2-241661953-C-A.
Other names: c.4309G>T, p.Ala1437Ser (NM_001320705.2, NM_001379649.1); c.4336G>T, p.Ala1446Ser (NM_001330289.2); c.4384G>T, p.Ala1462Ser (NM_001330290.2, NM_001379648.1); c.4660G>T, p.Ala1554Ser (NM_001379631.1); c.4561G>T, p.Ala1521Ser (NM_001379632.1); c.4558G>T, p.Ala1520Ser (NM_001379633.1, NM_001379645.1); c.4411G>T, p.Ala1471Ser (NM_001379634.1); c.4408G>T, p.Ala1470Ser (NM_001379635.1, NM_001379646.1); and 8 more; short protein forms A1427S, A1428S, A1436S, A1437S, A1445S, A1446S, A1453S, A1462S.
Identifiers: ClinVar variation 1207244 (VCV001207244.14), dbSNP rs572923181, ClinGen allele CA68137619.
Genomic context (GRCh38, chr2:240,722,536, plus strand): 5'-GCCTCTCGTTGGGAGCCTCCAGGGGTGATGGGCGGCCCTCAGCCGAGAGCGGGGAGGAGG[C>A]GCTGGAGGAGCCATGGGACTCAGAGTCCTCGCTGAAGGCCGGGGACAGTGCCTCCGGGAC-3'
Protein context (NP_001230937.1, residues 1519-1539): EDSESHGSSS[Ala1529Ser]SSPLSAEGRP

ClinVar aggregate classification (germline): Conflicting classifications of pathogenicity. Review status: criteria provided, conflicting classifications (1 of 4 stars). 3 submissions from 3 submitters: Uncertain significance (2); Likely benign (1). Last evaluated 2026-01-01.

Conditions:
Hereditary spastic paraplegia 30. Identifiers: Orphanet 101010, MedGen C5235139, MONDO:0012476.
Neuropathy, hereditary sensory, type 2C. Also called: KIF1A-Related HSAN2 (HSAN2C); Hereditary sensory and autonomic neuropathy type IIC. Identifiers: Orphanet 970, MedGen C3280168, MONDO:0013634, OMIM 614213.
Intellectual disability, autosomal dominant 9 (NESCAVS). Also called: NESCAV SYNDROME; KIF1A-Related Neurodevelopmental Disorder. Identifiers: Orphanet 662367, MedGen C5393830, MONDO:0013656, OMIM 614255.
Inborn genetic diseases. Identifiers: MedGen C0950123, MeSH D030342.

gnomAD v4.1: 24 of 1,548,868 alleles (0.0015%); highest among the groups gnomAD compares: Admixed American, 0.014%; no homozygotes.

Submissions (3):

Labcorp Genetics (formerly Invitae), Labcorp
Classification: Likely benign for Hereditary spastic paraplegia 30; Neuropathy, hereditary sensory, type 2C; Intellectual disability, autosomal dominant 9. Last evaluated: 2026-01-01. Review status: criteria provided, single submitter. Criteria: Invitae Variant Classification Sherloc (09022015). Collection method: clinical testing. Allele origin: germline.

Ambry Genetics
Classification: Uncertain significance for Inborn genetic diseases. Last evaluated: 2023-12-21. Review status: criteria provided, single submitter. Criteria: Ambry Variant Classification Scheme 2023. Collection method: clinical testing. Allele origin: germline.

GeneDx
Classification: Uncertain significance. Last evaluated: 2023-08-02. Review status: criteria provided, single submitter. Criteria: GeneDx Variant Classification Process June 2021. Collection method: clinical testing. Allele origin: germline. Affected: yes.
Comment: In silico analysis supports that this missense variant does not alter protein structure/function; Has not been previously published as pathogenic or benign to our knowledge